The following is an entry in ClinVar:

NM_139242.4(MTFMT):c.1108C>T (p.Leu370Phe)

Gene: MTFMT (mitochondrial methionyl-tRNA formyltransferase; minus strand). Cytogenetic location: 15q22.31.
Variant type: single nucleotide variant.
Coding change: c.1108C>T on transcript NM_139242.4 (MANE Select); coding-DNA position 1108, C replaced by T.
Protein change: p.Leu370Phe; replaces leucine 370 with phenylalanine.
Molecular consequence: missense variant.
Genome position (GRCh38, 1-based): chr15:65,003,124, G>A on the plus strand (C>T on the coding strand, the complement: MTFMT is on the minus strand). VCF-style: chr15-65003124-G-A. GRCh37 (hg19) VCF-style: chr15-65295462-G-A.
Other names: short protein forms L370F.
Identifiers: ClinVar variation 3692867 (VCV003692867.2).

ClinVar aggregate classification (germline): Uncertain significance (1 of 4 stars; one submission).

gnomAD v4.1: 1 of 1,612,888 alleles (0.000062%); highest among the groups gnomAD compares: Non-Finnish European, 0.000085%; no homozygotes.

Submission:

Labcorp Genetics (formerly Invitae), Labcorp
Classification: Uncertain significance. Last evaluated: 2024-10-13. Review status: criteria provided, single submitter. Criteria: Invitae Variant Classification Sherloc (09022015). Collection method: clinical testing. Allele origin: germline.
Comment: This sequence change replaces leucine, which is neutral and non-polar, with phenylalanine, which is neutral and non-polar, at codon 370 of the MTFMT protein (p.Leu370Phe). This variant is not present in population databases (gnomAD no frequency). This variant has not been reported in the literature in individuals affected with MTFMT-related conditions. Invitae Evidence Modeling of protein sequence and biophysical properties (such as structural, functional, and spatial information, amino acid conservation, physicochemical variation, residue mobility, and thermodynamic stability) has been performed for this missense variant. However, the output from this modeling did not meet the statistical confidence thresholds required to predict the impact of this variant on MTFMT protein function. In summary, the available evidence is currently insufficient to determine the role of this variant in disease. Therefore, it has been classified as a Variant of Uncertain Significance.